The following is an entry in ClinVar:

ClinVar aggregate classification (germline): Likely benign. Review status: criteria provided, multiple submitters, no conflicts (2 of 4 stars). 3 submissions from 3 submitters: Likely benign (3). Last evaluated 2026-01-31.

Conditions:
Gorlin syndrome. Also called: Nevoid Basal Cell Carcinoma Syndrome; Basal cell nevus syndrome. Identifiers: Orphanet 377, MedGen C0004779, MONDO:0007187.
Hereditary cancer-predisposing syndrome. Also called: Tumor predisposition; Hereditary neoplastic syndrome; Hereditary Cancer Syndrome; Neoplastic Syndromes, Hereditary. Identifiers: Orphanet 140162, MedGen C0027672, MeSH D009386, MONDO:0015356.

Allele frequency attached by ClinVar (database versions not stated): gnomAD exomes below 0.00001.

Submissions (3):

Labcorp Genetics (formerly Invitae), Labcorp
Classification: Likely benign for Gorlin syndrome. Last evaluated: 2026-01-31. Review status: criteria provided, single submitter. Criteria: Invitae Variant Classification Sherloc (09022015). Collection method: clinical testing. Allele origin: germline.

CeGaT Center for Human Genetics Tuebingen
Classification: Likely benign. Last evaluated: 2025-08-01. Review status: criteria provided, single submitter. Criteria: CeGaT Center For Human Genetics Tuebingen Variant Classification Criteria Version 2. Collection method: clinical testing. Allele origin: germline. Affected: yes. Observed: 1 variant allele.
Comment: PTCH1: PM2:Supporting, BP4, BP7

Ambry Genetics
Classification: Likely benign for Hereditary cancer-predisposing syndrome. Last evaluated: 2020-06-10. Review status: criteria provided, single submitter. Criteria: Ambry Variant Classification Scheme 2023. Collection method: clinical testing. Allele origin: germline.

NM_000264.5(PTCH1):c.207G>A (p.Lys69=)

Gene: PTCH1 (patched 1; minus strand). Cytogenetic location: 9q22.32.
Variant type: single nucleotide variant.
Coding change: c.207G>A on transcript NM_000264.5 (MANE Select); coding-DNA position 207, G replaced by A.
Protein change: p.Lys69=; no amino-acid change (lysine 69 retained).
Molecular consequence: synonymous variant. On other transcripts: 5 prime UTR variant (4), non-coding transcript variant (1).
Genome position (GRCh38, 1-based): chr9:95,506,594, C>T on the plus strand (G>A on the coding strand, the complement: PTCH1 is on the minus strand). VCF-style: chr9-95506594-C-T. GRCh37 (hg19) VCF-style: chr9-98268876-C-T.
Other names: c.9G>A, p.Lys3= (NM_001083602.3, NM_001354919.2); c.204G>A, p.Lys68= (NM_001083603.3); c.-247G>A (NM_001083604.3, NM_001083605.3, NM_001083606.3 and 1 more transcripts); c.207G>A, p.Lys69= (NM_001354918.2).
Identifiers: ClinVar variation 1147539 (VCV001147539.19), dbSNP rs1320211956, ClinGen allele CA466103718.